The following is an entry in ClinVar:

ClinVar aggregate classification (germline): Uncertain significance (1 of 4 stars; one submission).

Allele frequency attached by ClinVar (database versions not stated): gnomAD exomes 0.00001.

Submission:

Labcorp Genetics (formerly Invitae), Labcorp
Classification: Uncertain significance. Last evaluated: 2021-10-06. Review status: criteria provided, single submitter. Criteria: Invitae Variant Classification Sherloc (09022015). Collection method: clinical testing. Allele origin: germline.
Comment: This sequence change replaces alanine with valine at codon 149 of the PCYT1A protein (p.Ala149Val). The alanine residue is highly conserved and there is a small physicochemical difference between alanine and valine. In summary, the available evidence is currently insufficient to determine the role of this variant in disease. Therefore, it has been classified as a Variant of Uncertain Significance. Advanced modeling of protein sequence and biophysical properties (such as structural, functional, and spatial information, amino acid conservation, physicochemical variation, residue mobility, and thermodynamic stability) performed at Invitae indicates that this missense variant is expected to disrupt PCYT1A protein function. This variant has not been reported in the literature in individuals affected with PCYT1A-related conditions. This variant is not present in population databases (ExAC no frequency).

NM_001312673.2(PCYT1A):c.446C>T (p.Ala149Val)

Genes: PCYT1A (phosphate cytidylyltransferase 1A, choline; minus strand), LOC126806932 (BRD4-independent group 4 enhancer GRCh37_chr3:195973646-195974845; plus strand). Cytogenetic location: 3q29.
Variant type: single nucleotide variant.
Coding change: c.446C>T on transcript NM_001312673.2 (MANE Select); coding-DNA position 446, C replaced by T.
Protein change: p.Ala149Val; replaces alanine 149 with valine.
Molecular consequence: missense variant.
Genome position (GRCh38, 1-based): chr3:196,247,407, G>A on the plus strand (C>T on the coding strand, the complement: PCYT1A is on the minus strand). VCF-style: chr3-196247407-G-A. GRCh37 (hg19) VCF-style: chr3-195974278-G-A.
Other names: c.446C>T, p.Ala149Val (NM_005017.4); short protein forms A149V.
Identifiers: ClinVar variation 1362380 (VCV001362380.6), dbSNP rs1724604081, ClinGen allele CA355612567.